The following is an entry in ClinVar:

NM_000038.6(APC):c.7967A>G (p.Asp2656Gly)

Gene: APC (APC regulator of Wnt signaling pathway; plus strand). Cytogenetic location: 5q22.2.
Variant type: single nucleotide variant.
Coding change: c.7967A>G on transcript NM_000038.6 (MANE Select); coding-DNA position 7967, A replaced by G.
Protein change: p.Asp2656Gly; replaces aspartic acid 2656 with glycine.
Molecular consequence: missense variant.
Genome position (GRCh38, 1-based): chr5:112,843,561, A>G. VCF-style: chr5-112843561-A-G. GRCh37 (hg19) VCF-style: chr5-112179258-A-G.
Other names: c.7967A>G, p.Asp2656Gly (NM_001127510.3, NM_001354895.2); c.7913A>G, p.Asp2638Gly (NM_001127511.3); c.8021A>G, p.Asp2674Gly (NM_001354896.2); c.7997A>G, p.Asp2666Gly (NM_001354897.2); c.7892A>G, p.Asp2631Gly (NM_001354898.2); c.7883A>G, p.Asp2628Gly (NM_001354899.2); c.7844A>G, p.Asp2615Gly (NM_001354900.2); c.7790A>G, p.Asp2597Gly (NM_001354901.2); and 5 more; short protein forms D2638G, D2656G, D2373G, D2597G, D2615G, D2628G, D2674G, D2555G.
Identifiers: ClinVar variation 495374 (VCV000495374.21), dbSNP rs1463203731, ClinGen allele CA16038634.
Genomic context (GRCh38, chr5:112,843,561, plus strand): 5'-ATGGTGCTGAATCAAAGACTCTAATTTATCAAATGGCACCTGCTGTTTCTAAAACAGAGG[A>G]TGTTTGGGTGAGAATTGAGGACTGTCCCATTAACAATCCTAGATCTGGAAGATCTCCCAC-3'
Protein context (NP_000029.2, residues 2646-2666): QMAPAVSKTE[Asp2656Gly]VWVRIEDCPI

ClinVar aggregate classification (germline): Uncertain significance. Review status: criteria provided, multiple submitters, no conflicts (2 of 4 stars). 6 submissions from 6 submitters: Uncertain significance (6). Last evaluated 2025-05-16.

Conditions:
Classic or attenuated familial adenomatous polyposis. Identifiers: MedGen CN372698, MONDO:0021057.
Hereditary cancer-predisposing syndrome. Also called: Hereditary neoplastic syndrome; Tumor predisposition; Hereditary Cancer Syndrome; Neoplastic Syndromes, Hereditary. Identifiers: Orphanet 140162, MedGen C0027672, MeSH D009386, MONDO:0015356.
Familial adenomatous polyposis 1 (FAP1). Also called: FAMILIAL ADENOMATOUS POLYPOSIS 1, ATTENUATED; POLYPOSIS, ADENOMATOUS INTESTINAL. Identifiers: MedGen C2713442, MONDO:0021056, OMIM 175100. Disease mechanism: loss of function.

gnomAD v4.1: 3 of 1,613,930 alleles (0.00019%); highest among the groups gnomAD compares: Non-Finnish European, 0.00025%; no homozygotes.

Submissions (6):

Women's Health and Genetics/Laboratory Corporation of America, LabCorp
Classification: Uncertain significance. Last evaluated: 2025-05-16. Review status: criteria provided, single submitter. Criteria: LabCorp Variant Classification Summary - May 2015. Collection method: clinical testing. Allele origin: germline.
Comment: Variant summary: APC c.7967A>G (p.Asp2656Gly) results in a non-conservative amino acid change in the encoded protein sequence. Algorithms developed to predict the effect of missense changes on protein structure and function all suggest that this variant is likely to be disruptive. The variant was absent in 251162 control chromosomes. The available data on variant occurrences in the general population are insufficient to allow any conclusion about variant significance. To our knowledge, no occurrence of c.7967A>G in individuals affected with Familial Adenomatous Polyposis and no experimental evidence demonstrating its impact on protein function have been reported. ClinVar contains an entry for this variant (Variation ID: 495374). Based on the evidence outlined above, the variant was classified as uncertain significance.

Ambry Genetics
Classification: Uncertain significance for Hereditary cancer-predisposing syndrome. Last evaluated: 2025-05-02. Review status: criteria provided, single submitter. Criteria: Ambry Variant Classification Scheme 2023. Collection method: clinical testing. Allele origin: germline.
Comment: The p.D2656G variant (also known as c.7967A>G), located in coding exon 15 of the APC gene, results from an A to G substitution at nucleotide position 7967. The aspartic acid at codon 2656 is replaced by glycine, an amino acid with similar properties. This amino acid position is highly conserved in available vertebrate species. In addition, in silico predictors for this gene do not accurately predict pathogenicity. Since supporting evidence is limited at this time, the clinical significance of this alteration remains unclear.

Labcorp Genetics (formerly Invitae), Labcorp
Classification: Uncertain significance for Familial adenomatous polyposis 1. Last evaluated: 2025-04-28. Review status: criteria provided, single submitter. Criteria: Invitae Variant Classification Sherloc (09022015). Collection method: clinical testing. Allele origin: germline.
Comment: This sequence change replaces aspartic acid, which is acidic and polar, with glycine, which is neutral and non-polar, at codon 2656 of the APC protein (p.Asp2656Gly). This variant is not present in population databases (gnomAD no frequency). This variant has not been reported in the literature in individuals affected with APC-related conditions. ClinVar contains an entry for this variant (Variation ID: 495374). Invitae Evidence Modeling of protein sequence and biophysical properties (such as structural, functional, and spatial information, amino acid conservation, physicochemical variation, residue mobility, and thermodynamic stability) indicates that this missense variant is not expected to disrupt APC protein function with a negative predictive value of 95%. In summary, the available evidence is currently insufficient to determine the role of this variant in disease. Therefore, it has been classified as a Variant of Uncertain Significance.

Color Diagnostics, LLC DBA Color Health
Classification: Uncertain significance for Hereditary cancer-predisposing syndrome. Last evaluated: 2025-03-17. Review status: criteria provided, single submitter. Criteria: ACMG Guidelines, 2015. Collection method: clinical testing. Allele origin: germline.
Comment: This missense variant replaces aspartic acid with glycine at codon 2656 of the APC protein. Computational prediction is inconclusive regarding the impact of this variant on protein structure and function (internally defined REVEL score threshold 0.5 < inconclusive < 0.7, PMID: 27666373). To our knowledge, functional studies have not been reported for this variant. This variant has not been reported in individuals affected with APC-related disorders in the literature. This variant has not been identified in the general population by the Genome Aggregation Database (gnomAD). The available evidence is insufficient to determine the role of this variant in disease conclusively. Therefore, this variant is classified as a Variant of Uncertain Significance.

All of Us Research Program, National Institutes of Health
Classification: Uncertain significance for Classic or attenuated familial adenomatous polyposis. Last evaluated: 2023-08-15. Review status: criteria provided, single submitter. Criteria: ACMG Guidelines, 2015. Collection method: clinical testing. Allele origin: germline. Inheritance: Autosomal dominant inheritance. Observed: 1 variant allele, 1 heterozygote.
Comment: This missense variant replaces aspartic acid with glycine at codon 2656 of the APC protein. Computational prediction tool is inconclusive regarding the impact of this variant on protein structure and function (internally defined REVEL score threshold 0.5 < inconclusive < 0.7, PMID: 27666373). Splice site prediction tools suggest that this variant may not impact RNA splicing. To our knowledge, functional studies have not been performed for this variant. This variant has not been reported in individuals affected with hereditary cancer in the literature. This variant has not been identified in the general population by the Genome Aggregation Database (gnomAD). The available evidence is insufficient to determine the role of this variant in disease conclusively. Therefore, this variant is classified as a Variant of Uncertain Significance.

This study involves interpretation of variants in research participants for the purpose of population health screening. Participant phenotype was not available at the time of variant classification. Additional details can be found in publication PMID: 35346344, PMCID: PMC8962531

Baylor Genetics
Classification: Uncertain significance for Familial adenomatous polyposis 1. Last evaluated: 2023-05-19. Review status: criteria provided, single submitter. Criteria: ACMG Guidelines, 2015. Collection method: clinical testing. Allele origin: unknown.